The following is an entry in ClinVar:

ClinVar aggregate classification (germline): Uncertain significance. Review status: criteria provided, multiple submitters, no conflicts (2 of 4 stars). 2 submissions from 2 submitters: Uncertain significance (2). Last evaluated 2021-12-27.

Conditions:
Cardiovascular phenotype. Identifiers: MedGen CN230736.

gnomAD v4.1: 4 of 1,614,130 alleles (0.00025%); highest among the groups gnomAD compares: South Asian, 0.0022%; no homozygotes.

Submissions (2):

MVZ Dr. Eberhard & Partner Dortmund
Classification: Uncertain significance. Last evaluated: 2021-12-27. Review status: criteria provided, single submitter. Criteria: ACMG Guidelines, 2015. Collection method: clinical testing. Allele origin: unknown. Observed: 1 heterozygote.
Comment: This sequence change from G to C is likely causing a substitution of Arginine with Proline at position 257 in the amino acid sequence. Physicochemical difference between Arg and Pro seems to be moderate (Grantham Score: 103 [0-215]). Despite that, the location of this variant is not conserved (PhyloP: -0.04 [-14.1;6.4]). The variant has not been reported in literature, specific mutation databases or in controls like Exome Sequencing Project, 1000 Genomes Project and the Genome Aggregation Database. Furthermore, multiple computational programs suggest no impact on gene or gene product. This variant is considered to be a variant of uncertain significance according to the ACMG guidelines.

Ambry Genetics
Classification: Uncertain significance for Cardiovascular phenotype. Last evaluated: 2021-11-09. Review status: criteria provided, single submitter. Criteria: Ambry Variant Classification Scheme 2023. Collection method: clinical testing. Allele origin: germline.

NM_018699.4(PRDM5):c.770G>C (p.Arg257Pro)

Gene: PRDM5 (PR/SET domain 5; minus strand). Cytogenetic location: 4q27.
Variant type: single nucleotide variant.
Coding change: c.770G>C on transcript NM_018699.4 (MANE Select); coding-DNA position 770, G replaced by C.
Protein change: p.Arg257Pro; replaces arginine 257 with proline.
Molecular consequence: missense variant.
Genome position (GRCh38, 1-based): chr4:120,816,548, C>G on the plus strand (G>C on the coding strand, the complement: PRDM5 is on the minus strand). VCF-style: chr4-120816548-C-G. GRCh37 (hg19) VCF-style: chr4-121737703-C-G.
Other names: c.677G>C, p.Arg226Pro (NM_001300823.2, NM_001300824.2, NM_001379106.1); c.770G>C, p.Arg257Pro (NM_001379104.1); c.770G>C (NM_018699.2); short protein forms R226P, R257P.
Identifiers: ClinVar variation 1676810 (VCV001676810.5), dbSNP rs756946467, ClinGen allele CA358207581.
Genomic context (GRCh38, chr4:120,816,548, plus strand): 5'-TCCTTGCTCTTCAGCCTCTTTCCACAGCTGTCAGCCTTGCACACAAACCTGGCATCCCCC[C>G]GGCAAGTCTCCTGGTGCTGCTCAAAACTACAAGACAACCAGCAAAGCGGAACAGGAAGAA-3'
Protein context (NP_061169.2, residues 247-267): SSFEQHQETC[Arg257Pro]GDARFVCKAD